The following is an entry in ClinVar:

NM_000543.5(SMPD1):c.766dup (p.Leu256fs)

Gene: SMPD1 (sphingomyelin phosphodiesterase 1; plus strand). Cytogenetic location: 11p15.4.
Variant type: Duplication.
Coding change: c.766dup on transcript NM_000543.5 (MANE Select); coding-DNA position 766, one base duplicated (C; older notation c.766dupC).
Protein change: p.Leu256fs; shifts the reading frame from leucine 256.
Molecular consequence: frameshift variant. On other transcripts: 5 prime UTR variant (1), non-coding transcript variant (1).
Genome position (GRCh38, 1-based): chr11:6,391,831, C duplicated; the last of 4 consecutive C bases (chr11:6,391,828-6,391,831); duplicating any one gives the same sequence. VCF-style (leftmost placement, unchanged base first): chr11-6391827-G-GC. GRCh37 (hg19) VCF-style: chr11-6413057-G-GC.
Other names: c.763dup, p.Leu255fs (NM_001007593.3); c.766dup, p.Leu256fs (NM_001318087.2, NM_001365135.2); c.-196dup (NM_001318088.2); c.766dupC (NM_000543.4); short protein forms L256fs, L255fs.
Identifiers: ClinVar variation 813477 (VCV000813477.10), dbSNP rs1018556947, ClinGen allele CA217299544.

ClinVar aggregate classification (germline): Pathogenic/Likely pathogenic. Review status: criteria provided, multiple submitters, no conflicts (2 of 4 stars). 3 submissions from 3 submitters: Pathogenic (1); Likely pathogenic (1). 1 of the submissions does not count toward it. Last evaluated 2025-12-16.

Conditions:
Niemann-Pick disease, type B. Also called: Chronic Visceral ASMD (Niemann-Pick Disease Type B; NPD-B). Identifiers: Orphanet 77293, MedGen C0268243, MONDO:0011871, OMIM 607616. Disease mechanism: loss of function.
Niemann-Pick disease, type A. Also called: Infantile Neurovisceral ASMD (Niemann-Pick Disease Type A; NPD-A); SPHINGOMYELIN LIPIDOSIS; SPHINGOMYELINASE DEFICIENCY. Identifiers: Orphanet 77292, MedGen C0268242, MONDO:0009756, OMIM 257200. Disease mechanism: loss of function.

Submissions (3):

Natera, Inc.
Classification: Likely pathogenic for Niemann-Pick Disease, Types A/B. Last evaluated: 2025-12-16. Review status: criteria provided, single submitter. Criteria: Natera Variant Classification Schema (03/2026). Collection method: clinical testing. Allele origin: germline.
Comment: The c.766dupC variant in SMPD1 is a frameshift variant predicted to shift the reading frame beginning at codon 256 and leads to a stop codon 18 codons downstream. This variant is expected to result in nonsense mediated decay, truncation, or a dysfunctional protein product. This variant is rare in the general population with a frequency below the threshold expected for the associated phenotype(s). Given the available evidence, this variant is classified as Likely Pathogenic.

Labcorp Genetics (formerly Invitae), Labcorp
Classification: Pathogenic for Niemann-Pick disease, type B; Niemann-Pick disease, type A. Last evaluated: 2024-02-17. Review status: criteria provided, single submitter. Criteria: Invitae Variant Classification Sherloc (09022015). Collection method: clinical testing. Allele origin: germline.
Comment: This sequence change creates a premature translational stop signal (p.Leu256Profs*18) in the SMPD1 gene. It is expected to result in an absent or disrupted protein product. Loss-of-function variants in SMPD1 are known to be pathogenic (PMID: 12369017, 15221801). This variant is not present in population databases (gnomAD no frequency). This variant has not been reported in the literature in individuals affected with SMPD1-related conditions. ClinVar contains an entry for this variant (Variation ID: 813477). For these reasons, this variant has been classified as Pathogenic.

Baylor Genetics
Classification: Likely pathogenic for Niemann-Pick disease, type A. Review status: no assertion criteria provided. Collection method: clinical testing. Allele origin: unknown. Not counted in ClinVar's aggregate classification.

Literature cited by the submitters: PubMed 12369017 (cited by Labcorp Genetics (formerly Invitae), Labcorp); PubMed 15221801 (cited by Labcorp Genetics (formerly Invitae), Labcorp).